The following is an entry in ClinVar:

NM_000159.4(GCDH):c.1124G>A (p.Cys375Tyr)

Gene: GCDH (glutaryl-CoA dehydrogenase; plus strand). Cytogenetic location: 19p13.13.
Variant type: single nucleotide variant.
Coding change: c.1124G>A on transcript NM_000159.4 (MANE Select); coding-DNA position 1124, G replaced by A.
Protein change: p.Cys375Tyr; replaces cysteine 375 with tyrosine.
Molecular consequence: missense variant. On other transcripts: non-coding transcript variant (2).
Genome position (GRCh38, 1-based): chr19:12,897,744, G>A. VCF-style: chr19-12897744-G-A. GRCh37 (hg19) VCF-style: chr19-13008558-G-A.
Other names: c.1124G>A, p.Cys375Tyr (NM_013976.5); short protein forms C375Y.
Identifiers: ClinVar variation 577483 (VCV000577483.15), dbSNP rs1568429153, ClinGen allele CA404321386.
Genomic context (GRCh38, chr19:12,897,744, plus strand): 5'-CCTCATGTGCCACTCCCAGGGCTGCCCCCGAGATGGTTTCTCTGCTGAAGAGGAATAACT[G>A]TGGGAAAGCCCTGGACATCGCCCGCCAGGCCCGAGACATGCTGGGGGGGAATGGGATTTC-3'
Protein context (NP_000150.1, residues 365-385): EMVSLLKRNN[Cys375Tyr]GKALDIARQA

ClinVar aggregate classification (germline): Uncertain significance. Review status: criteria provided, single submitter (1 of 4 stars). 3 submissions from 3 submitters: Uncertain significance (1). 2 of the submissions do not count toward it. Last evaluated 2018-04-12.

Conditions:
Glutaric aciduria, type 1. Also called: Glutaricacidemia Type 1; Glutaryl-CoA dehydrogenase deficiency; Glutaric Acidemia Type 1; GA I; Glutaric acidemia type I; Glutaricaciduria, type I. Identifiers: Orphanet 25, MedGen C0268595, MONDO:0009281, OMIM 231670.

Allele frequency attached by ClinVar (database versions not stated): gnomAD exomes below 0.00001.
gnomAD v4.1: 2 of 1,614,130 alleles (0.00012%); highest among the groups gnomAD compares: Non-Finnish European, 0.00017%; no homozygotes.

Submissions (3):

Labcorp Genetics (formerly Invitae), Labcorp
Classification: Uncertain significance for Glutaric aciduria, type 1. Last evaluated: 2018-04-12. Review status: criteria provided, single submitter. Criteria: Invitae Variant Classification Sherloc (09022015). Collection method: clinical testing. Allele origin: germline.
Comment: In summary, the available evidence is currently insufficient to determine the role of this variant in disease. Therefore, it has been classified as a Variant of Uncertain Significance. Algorithms developed to predict the effect of missense changes on protein structure and function do not agree on the potential impact of this missense change (SIFT: "Deleterious"; PolyPhen-2: "Possibly Damaging"; Align-GVGD: "Class C0"). This variant has not been reported in the literature in individuals with GCDH-related disease. This variant is not present in population databases (ExAC no frequency). This sequence change replaces cysteine with tyrosine at codon 375 of the GCDH protein (p.Cys375Tyr). The cysteine residue is highly conserved and there is a large physicochemical difference between cysteine and tyrosine.

Natera, Inc.
Classification: Uncertain significance for Glutaric acidemia type 1. Last evaluated: 2021-05-24. Review status: no assertion criteria provided. Collection method: clinical testing. Allele origin: germline. Not counted in ClinVar's aggregate classification.

Joe DiMaggio Children's Hospital, Memorial Healthcare System
Classification: Pathogenic for Glutaric aciduria, type 1. Review status: no assertion criteria provided. Collection method: clinical testing. Allele origin: unknown. Inheritance: Autosomal recessive inheritance. Affected: yes. Observed: 1 homozygote. Not counted in ClinVar's aggregate classification.
Comment: From Pubmed, "Glutaric acidemia Type 1 (GA-1) is an autosomal recessively inherited metabolic disorder which is associated with GCDH gene mutations which alters the glutaryl-CoA dehydrogenase, an enzyme playing role in the catabolic pathways of the amino acids lysine, hydroxylysine, and tryptophan. Clinical findings are often encephalopathic crises, dystonia, and extrapyramidal symptoms." Per Invitae's lab report, the Cys375Tyr variant in the GCDH gene is a sequence change replacing cysteine with tyrosine at codon 375. The cysteine residue is highly conserved and there is a large physiochemical difference between cysteine and tryosine. Additionally, this variant is not present in population databases.

Literature cited by the submitters: PubMed 28411331 (cited by Joe DiMaggio Children's Hospital, Memorial Healthcare System).